The following is an entry in ClinVar:

NC_000012.11:g.(?_25362729)_(25380366_?)dup

Gene: KRAS (KRAS proto-oncogene, GTPase; minus strand). Cytogenetic location: 12p12.1.
Variant type: Duplication.
Identifiers: ClinVar variation 3244348 (VCV003244348.1).

ClinVar aggregate classification (germline): Uncertain significance (1 of 4 stars; one submission).

Conditions:
RASopathy. Also called: Noonan spectrum disorder; rasopathies. Identifiers: Orphanet 536391, MedGen C5555857, MONDO:0021060.

Submission:

Labcorp Genetics (formerly Invitae), Labcorp
Classification: Uncertain significance for RASopathy. Last evaluated: 2023-11-28. Review status: criteria provided, single submitter. Criteria: Invitae Variant Classification Sherloc (09022015). Collection method: clinical testing. Allele origin: unknown.
Comment: This variant results in a copy number gain of the genomic region encompassing exon(s) 3-5 of the KRAS gene. This region includes the termination codon of the gene. This copy number gain extends beyond the assayed region for this gene and therefore may encompass additional genes. As the precise location of this event is unknown, it may be in tandem or it may be located elsewhere in the genome. This variant has not been reported in the literature in individuals affected with KRAS-related conditions. Experimental studies and prediction algorithms are not available or were not evaluated, and the functional significance of this variant is currently unknown. In summary, the available evidence is currently insufficient to determine the role of this variant in disease. Therefore, it has been classified as a Variant of Uncertain Significance.